The following is an entry in ClinVar:

NM_005861.4(STUB1):c.436C>G (p.Arg146Gly)

Gene: STUB1 (STIP1 homology and U-box containing protein 1; plus strand). Cytogenetic location: 16p13.3.
Variant type: single nucleotide variant.
Coding change: c.436C>G on transcript NM_005861.4 (MANE Select); coding-DNA position 436, C replaced by G.
Protein change: p.Arg146Gly; replaces arginine 146 with glycine.
Molecular consequence: missense variant.
Genome position (GRCh38, 1-based): chr16:681,515, C>G. VCF-style: chr16-681515-C-G. GRCh37 (hg19) VCF-style: chr16-731515-C-G.
Other names: p.Arg146Gly; c.220C>G, p.Arg74Gly (NM_001293197.2); short protein forms R146G, R74G.
Identifiers: ClinVar variation 3380337 (VCV003380337.1).

ClinVar aggregate classification (germline): Uncertain significance (1 of 4 stars; one submission).

Submission:

Mayo Clinic Laboratories, Mayo Clinic
Classification: Uncertain significance. Last evaluated: 2024-07-03. Review status: criteria provided, single submitter. Criteria: ACMG Guidelines, 2015. Collection method: clinical testing. Allele origin: germline. Observed: 1 variant allele.
Comment: BP4, PM2